The following is an entry in ClinVar:

ClinVar aggregate classification (germline): Likely benign (1 of 4 stars; one submission).

gnomAD v4.1: 1 of 1,614,132 alleles (0.000062%); highest among the groups gnomAD compares: Non-Finnish European, 0.000085%; no homozygotes.

Submission:

Women's Health and Genetics/Laboratory Corporation of America, LabCorp
Classification: Likely benign. Last evaluated: 2026-06-10. Review status: criteria provided, single submitter. Criteria: LabCorp Variant Classification Summary - May 2015. Collection method: clinical testing. Allele origin: germline.
Comment: Variant summary: FGFR2 c.1914T>C alters a conserved nucleotide resulting in a synonymous change. Consensus agreement among computation tools predict no significant impact on normal splicing. However, these predictions have yet to be confirmed by functional studies. The variant was absent in 251352 control chromosomes. The available data on variant occurrences in the general population are insufficient to allow any conclusion about variant significance. To our knowledge, no occurrence of c.1914T>C in individuals affected with FGFR2-related conditions and no experimental evidence demonstrating its impact on protein function have been reported. No submitters have cited clinical-significance assessments for this variant to ClinVar. Based on the evidence outlined above, the variant was classified as likely benign.

NM_000141.5(FGFR2):c.1914T>C (p.Asn638=)

Gene: FGFR2 (fibroblast growth factor receptor 2; minus strand). Cytogenetic location: 10q26.13.
Variant type: single nucleotide variant.
Coding change: c.1914T>C on transcript NM_000141.5 (MANE Select); coding-DNA position 1914, T replaced by C.
Protein change: p.Asn638=; no amino-acid change (asparagine 638 retained).
Molecular consequence: synonymous variant. On other transcripts: non-coding transcript variant (1).
Genome position (GRCh38, 1-based): chr10:121,488,063, A>G on the plus strand (T>C on the coding strand, the complement: FGFR2 is on the minus strand). VCF-style: chr10-121488063-A-G. GRCh37 (hg19) VCF-style: chr10-123247577-A-G.
Other names: c.1917T>C, p.Asn639= (NM_001144913.1, NM_022970.4); c.1578T>C, p.Asn526= (NM_001144914.1); c.1647T>C, p.Asn549= (NM_001144915.2, NM_023029.3); c.1569T>C, p.Asn523= (NM_001144916.2, NM_001441090.1); c.1566T>C, p.Asn522= (NM_001144917.2); c.1563T>C, p.Asn521= (NM_001144918.2, NM_001441091.1); c.1650T>C, p.Asn550= (NM_001144919.2); c.1230T>C, p.Asn410= (NM_001320654.2); and 4 more.
Identifiers: ClinVar variation 4887356 (VCV004887356.1).